The following is an entry in ClinVar:

ClinVar aggregate classification (germline): Uncertain significance (1 of 4 stars; one submission).

Allele frequency attached by ClinVar (database versions not stated): ExAC 0.00012; ESP Exome Variant Server 0.00016; 1000 Genomes Project 0.00080.

Submission:

Labcorp Genetics (formerly Invitae), Labcorp
Classification: Uncertain significance. Last evaluated: 2025-11-18. Review status: criteria provided, single submitter. Criteria: Invitae Variant Classification Sherloc (09022015). Collection method: clinical testing. Allele origin: germline.
Comment: This sequence change replaces isoleucine, which is neutral and non-polar, with valine, which is neutral and non-polar, at codon 236 of the ICOSLG protein (p.Ile236Val). This variant is present in population databases (rs201462822, gnomAD 0.01%). This variant has not been reported in the literature in individuals affected with ICOSLG-related conditions. ClinVar contains an entry for this variant (Variation ID: 2148237). An algorithm developed to predict the effect of missense changes on protein structure and function (PolyPhen-2) suggests that this variant is likely to be tolerated. In summary, the available evidence is currently insufficient to determine the role of this variant in disease. Therefore, it has been classified as a Variant of Uncertain Significance.

NM_015259.6(ICOSLG):c.706A>G (p.Ile236Val)

Gene: ICOSLG (inducible T cell costimulator ligand; minus strand). Cytogenetic location: 21q22.3.
Variant type: single nucleotide variant.
Coding change: c.706A>G on transcript NM_015259.6 (MANE Select); coding-DNA position 706, A replaced by G.
Protein change: p.Ile236Val; replaces isoleucine 236 with valine.
Molecular consequence: missense variant.
Genome position (GRCh38, 1-based): chr21:44,231,436, T>C on the plus strand (A>G on the coding strand, the complement: ICOSLG is on the minus strand). VCF-style: chr21-44231436-T-C. GRCh37 (hg19) VCF-style: chr21-45651319-T-C.
Other names: c.706A>G, p.Ile236Val (NM_001283050.2, NM_001395918.1); c.355A>G, p.Ile119Val (NM_001283051.2); c.451A>G, p.Ile151Val (NM_001283052.2); c.625A>G, p.Ile209Val (NM_001365759.2); short protein forms I119V, I209V, I151V, I236V.
Identifiers: ClinVar variation 2148237 (VCV002148237.4), dbSNP rs201462822, ClinGen allele CA321495806.